The following is an entry in ClinVar:

ClinVar aggregate classification (germline): Benign/Likely benign. Review status: criteria provided, multiple submitters, no conflicts (2 of 4 stars). 5 submissions from 5 submitters: Benign (1); Likely benign (4). Last evaluated 2026-03-06.

Conditions:
Charcot-Marie-Tooth disease type 2. Also called: Charcot-Marie-Tooth type 2. Identifiers: Orphanet 64746, MedGen C0270914, MONDO:0018993.
Charcot-Marie-Tooth disease. Also called: Charcot-Marie-Tooth Neuropathy; Charcot-Marie-Tooth Hereditary Neuropathy. Identifiers: Orphanet 166, MedGen C0007959, MONDO:0015626.

Allele frequency attached by ClinVar (database versions not stated): ESP Exome Variant Server 0.00025; 1000 Genomes Project 30x 0.00031; ExAC 0.00031; gnomAD 0.00036; TOPMed 0.00045; gnomAD exomes 0.00073.
gnomAD v4.1: 1,102 of 1,613,106 alleles (0.068%); highest among the groups gnomAD compares: Non-Finnish European, 0.09%; no homozygotes.

Submissions (5):

Women's Health and Genetics/Laboratory Corporation of America, LabCorp
Classification: Benign. Last evaluated: 2026-03-06. Review status: criteria provided, single submitter. Criteria: LabCorp Variant Classification Summary - May 2015. Collection method: clinical testing. Allele origin: germline.
Comment: Variant summary: GARS1 c.1904-18T>C alters a nucleotide located at a position not widely known to affect splicing. Consensus agreement among computation tools predict no significant impact on normal splicing. However, these predictions have yet to be confirmed by functional studies. The observed variant frequency within Non-Finnish European control individuals in the gnomAD database exceeds the estimated maximal expected allele frequency for disease-causing variants in GARS1. To our knowledge, no occurrence of c.1904-18T>C in individuals affected with GARS1-related conditions and no experimental evidence demonstrating its impact on protein function have been reported. ClinVar contains an entry for this variant (Variation ID: 509792). Based on the evidence outlined above, the variant was classified as benign.

Labcorp Genetics (formerly Invitae), Labcorp
Classification: Likely benign for Charcot-Marie-Tooth disease type 2. Last evaluated: 2026-01-28. Review status: criteria provided, single submitter. Criteria: Invitae Variant Classification Sherloc (09022015). Collection method: clinical testing. Allele origin: germline.

Blueprint Genetics
Classification: Likely benign. Last evaluated: 2024-11-23. Review status: criteria provided, single submitter. Criteria: ACMG Guidelines, 2015. Collection method: clinical testing. Allele origin: germline.

GeneDx
Classification: Likely benign. Last evaluated: 2018-04-20. Review status: criteria provided, single submitter. Criteria: GeneDx Variant Classification Process June 2021. Collection method: clinical testing. Allele origin: germline. Affected: yes.

Molecular Genetics Laboratory, London Health Sciences Centre
Classification: Likely benign for Charcot-Marie-Tooth disease. Review status: criteria provided, single submitter. Criteria: ACMG Guidelines, 2015. Collection method: clinical testing. Allele origin: germline. Affected: yes.

NM_002047.4(GARS1):c.1904-18T>C

Gene: GARS1 (glycyl-tRNA synthetase 1; plus strand). Cytogenetic location: 7p14.3.
Variant type: single nucleotide variant.
Coding change: c.1904-18T>C on transcript NM_002047.4 (MANE Select); 18 bases into the intron before coding-DNA position 1904, T replaced by C.
Molecular consequence: intron variant.
Genome position (GRCh38, 1-based): chr7:30,632,229, T>C. VCF-style: chr7-30632229-T-C. GRCh37 (hg19) VCF-style: chr7-30671845-T-C.
Other names: c.1904-18T>C (LRG_243t1); c.1742-18T>C (NM_001316772.1).
Identifiers: ClinVar variation 509792 (VCV000509792.14), dbSNP rs41275991, ClinGen allele CA4206116.